The following is an entry in ClinVar:

ClinVar aggregate classification (germline): Likely benign. Review status: criteria provided, multiple submitters, no conflicts (2 of 4 stars). 2 submissions from 2 submitters: Likely benign (2). Last evaluated 2024-08-28.

Conditions:
Familial cancer of breast. Also called: hereditary breast carcinoma; BREAST CANCER, FAMILIAL; Hereditary breast cancer. Identifiers: Orphanet 227535, MedGen C0346153, MONDO:0016419, OMIM 114480. Disease mechanism: loss of function.
Ataxia-telangiectasia syndrome (AT). Also called: Cerebello-oculocutaneous telangiectasia; Immunodeficiency with ataxia telangiectasia; Ataxia telangiectasia (A-T); Ataxia-telangiectasia, complementation group E; LOUIS-BAR SYNDROME; Ataxia-telangiectasia. Identifiers: Orphanet 100, MedGen C0004135, MONDO:0008840, OMIM 208900.

Submissions (2):

Labcorp Genetics (formerly Invitae), Labcorp
Classification: Likely benign for Ataxia-telangiectasia syndrome. Last evaluated: 2024-08-28. Review status: criteria provided, single submitter. Criteria: Invitae Variant Classification Sherloc (09022015). Collection method: clinical testing. Allele origin: germline.

Myriad Genetics, Inc.
Classification: Likely benign for Familial cancer of breast. Last evaluated: 2024-05-17. Review status: criteria provided, single submitter. Criteria: Myriad Autosomal Dominant, Autosomal Recessive and X-Linked Classification Criteria (2023). Collection method: clinical testing. Allele origin: unknown.
Comment: This variant is considered likely benign. This variant is intronic and is not expected to impact mRNA splicing.

NM_000051.4(ATM):c.4437-7A>C

Gene: ATM (ATM serine/threonine kinase; plus strand). Cytogenetic location: 11q22.3.
Variant type: single nucleotide variant.
Coding change: c.4437-7A>C on transcript NM_000051.4 (MANE Select); 7 bases into the intron before coding-DNA position 4437, A replaced by C.
Molecular consequence: intron variant.
Genome position (GRCh38, 1-based): chr11:108,292,612, A>C. VCF-style: chr11-108292612-A-C. GRCh37 (hg19) VCF-style: chr11-108163339-A-C.
Other names: c.4437-7A>C (NM_001351834.2).
Identifiers: ClinVar variation 579263 (VCV000579263.8), dbSNP rs370354306, ClinGen allele CA891842923.